The following is an entry in ClinVar:

NM_016938.5(EFEMP2):c.108C>G (p.Tyr36Ter)

Gene: EFEMP2 (EGF-like fibulin extracellular matrix protein 2; minus strand). Cytogenetic location: 11q13.1.
Variant type: single nucleotide variant.
Coding change: c.108C>G on transcript NM_016938.5 (MANE Select); coding-DNA position 108, C replaced by G.
Protein change: p.Tyr36Ter; replaces tyrosine 36 with a stop codon.
Molecular consequence: nonsense. On other transcripts: non-coding transcript variant (1).
Genome position (GRCh38, 1-based): chr11:65,872,247, G>C on the plus strand (C>G on the coding strand, the complement: EFEMP2 is on the minus strand). VCF-style: chr11-65872247-G-C. GRCh37 (hg19) VCF-style: chr11-65639718-G-C.
Other names: short protein forms Y36*.
Identifiers: ClinVar variation 4247051 (VCV004247051.1).

ClinVar aggregate classification (germline): Likely pathogenic (1 of 4 stars; one submission).

Conditions:
Cardiovascular phenotype. Identifiers: MedGen CN230736.

Submission:

Ambry Genetics
Classification: Likely pathogenic for Cardiovascular phenotype. Last evaluated: 2025-06-27. Review status: criteria provided, single submitter. Criteria: Ambry Variant Classification Scheme 2023. Collection method: clinical testing. Allele origin: germline.
Comment: The p.Y36* variant (also known as c.108C>G), located in coding exon 1 of the EFEMP2 gene, results from a C to G substitution at nucleotide position 108. This changes the amino acid from a tyrosine to a stop codon within coding exon 1. The predicted stop codon occurs in the 5&rsquo; end of theEFEMP2 gene. Premature termination codons in the 5&rsquo; end of a gene have been reported to escape nonsense-mediated mRNAdecay and/or lead to re-initiation (Rivas et al. Science. 2015 May 8;348(6235):666-9; Lindeboom et al. Nat Genet. 2016 Oct;48(10):1112-8; Rhee et al. Sci Rep. 2017 May 10;7(1):1653). Direct evidence for this alteration is unavailable, however premature termination codons are typically deleterious in nature. This variant is considered to be rare based on population cohorts in the Genome Aggregation Database (gnomAD). Based on the majority of available evidence to date, this variant is likely to be pathogenic.